The following is an entry in ClinVar:

NM_021167.5(GATAD1):c.30C>G (p.Ser10Arg)

Genes: GATAD1 (GATA zinc finger domain containing 1; plus strand), LOC129998793 (ATAC-STARR-seq lymphoblastoid silent region 18371; plus strand). Cytogenetic location: 7q21.2.
Variant type: single nucleotide variant.
Coding change: c.30C>G on transcript NM_021167.5 (MANE Select); coding-DNA position 30, C replaced by G.
Protein change: p.Ser10Arg; replaces serine 10 with arginine.
Molecular consequence: missense variant. On other transcripts: non-coding transcript variant (1).
Genome position (GRCh38, 1-based): chr7:92,447,759, C>G. VCF-style: chr7-92447759-C-G. GRCh37 (hg19) VCF-style: chr7-92077073-C-G.
Other names: short protein forms S10R.
Identifiers: ClinVar variation 3853057 (VCV003853057.1).

ClinVar aggregate classification (germline): Uncertain significance (1 of 4 stars; one submission).

Conditions:
Cardiovascular phenotype. Identifiers: MedGen CN230736.

gnomAD v4.1: 3 of 1,497,974 alleles (0.0002%); highest among the groups gnomAD compares: Non-Finnish European, 0.00027%; no homozygotes.

Submission:

Ambry Genetics
Classification: Uncertain significance for Cardiovascular phenotype. Last evaluated: 2025-01-14. Review status: criteria provided, single submitter. Criteria: Ambry Variant Classification Scheme 2023. Collection method: clinical testing. Allele origin: germline.
Comment: The p.S10R variant (also known as c.30C>G), located in coding exon 1 of the GATAD1 gene, results from a C to G substitution at nucleotide position 30. The serine at codon 10 is replaced by arginine, an amino acid with dissimilar properties. This amino acid position is well conserved in available vertebrate species. In addition, the in silico prediction for this alteration is inconclusive. The evidence for this gene-disease relationship is limited; therefore, the clinical significance of this alteration is unclear.